The following is an entry in ClinVar:

NM_004818.3(DDX23):c.421C>A (p.Pro141Thr)

Gene: DDX23 (DEAD-box helicase 23; minus strand). Cytogenetic location: 12q13.12.
Variant type: single nucleotide variant.
Coding change: c.421C>A on transcript NM_004818.3 (MANE Select); coding-DNA position 421, C replaced by A.
Protein change: p.Pro141Thr; replaces proline 141 with threonine.
Molecular consequence: missense variant.
Genome position (GRCh38, 1-based): chr12:48,839,903, G>T on the plus strand (C>A on the coding strand, the complement: DDX23 is on the minus strand). VCF-style: chr12-48839903-G-T. GRCh37 (hg19) VCF-style: chr12-49233686-G-T.
Other names: short protein forms P141T.
Identifiers: ClinVar variation 4539935 (VCV004539935.1).

ClinVar aggregate classification (germline): Uncertain significance (1 of 4 stars; one submission).

gnomAD v4.1: 3 of 1,614,052 alleles (0.00019%); highest among the groups gnomAD compares: Non-Finnish European, 0.00025%; no homozygotes.

Submission:

GeneDx
Classification: Uncertain significance. Last evaluated: 2025-06-29. Review status: criteria provided, single submitter. Criteria: GeneDx Variant Classification Process June 2021. Collection method: clinical testing. Allele origin: germline. Affected: yes.
Comment: Not observed at significant frequency in large population cohorts (gnomAD); In silico analysis supports that this missense variant has a deleterious effect on protein structure/function; Has not been previously published as pathogenic or benign to our knowledge